The following is an entry in ClinVar:

ClinVar aggregate classification (germline): Likely benign (1 of 4 stars; one submission).

gnomAD v4.1: 64 of 1,532,296 alleles (0.0042%); highest among the groups gnomAD compares: Non-Finnish European, 0.0054%; no homozygotes.

Submission:

Women's Health and Genetics/Laboratory Corporation of America, LabCorp
Classification: Likely benign. Last evaluated: 2025-03-13. Review status: criteria provided, single submitter. Criteria: LabCorp Variant Classification Summary - May 2015. Collection method: clinical testing. Allele origin: germline.
Comment: Variant summary: SATB2 c.-14C>G is located in the untranslated mRNA region upstream of the initiation codon. The variant allele was found at a frequency of 4.2e-05 in 1532296 control chromosomes. This frequency is not significantly higher than estimated for a pathogenic variant in SATB2 causing SATB2 Associated Disorder, however, this frequency suggests the variant may be benign. To our knowledge, no occurrence of c.-14C>G in individuals affected with SATB2 Associated Disorder and no experimental evidence demonstrating its impact on protein function have been reported. No submitters have cited clinical-significance assessments for this variant to ClinVar. Based on the evidence outlined above, the variant was classified as likely benign.

NM_001172509.2(SATB2):c.-14C>G

Gene: SATB2 (SATB homeobox 2; minus strand). Cytogenetic location: 2q33.1.
Variant type: single nucleotide variant.
Coding change: c.-14C>G on transcript NM_001172509.2 (MANE Select); 14 bases upstream of the start codon, C replaced by G.
Molecular consequence: 5 prime UTR variant. On other transcripts: non-coding transcript variant (1).
Genome position (GRCh38, 1-based): chr2:199,456,051, G>C on the plus strand (C>G on the coding strand, the complement: SATB2 is on the minus strand). VCF-style: chr2-199456051-G-C. GRCh37 (hg19) VCF-style: chr2-200320774-G-C.
Other names: c.-14C>G (NM_001172517.1, NM_015265.4).
Identifiers: ClinVar variation 3895666 (VCV003895666.1).